The following is an entry in ClinVar:

ClinVar aggregate classification (germline): Uncertain significance. Review status: criteria provided, multiple submitters, no conflicts (2 of 4 stars). 2 submissions from 2 submitters: Uncertain significance (2). Last evaluated 2025-08-29.

Conditions:
Severe combined immunodeficiency due to DNA-PKcs deficiency. Also called: IMMUNODEFICIENCY 26 WITH NEUROLOGIC ABNORMALITIES; Immunodeficiency 26 with or without neurologic abnormalities. Identifiers: Orphanet 317425, MedGen C4014833, MONDO:0014423, OMIM 615966.

Allele frequency attached by ClinVar (database versions not stated): gnomAD 0.00001; gnomAD exomes 0.00001; ExAC 0.00004.
gnomAD v4.1: 29 of 1,593,808 alleles (0.0018%); highest among the groups gnomAD compares: South Asian, 0.0046%; no homozygotes.

Submissions (2):

Labcorp Genetics (formerly Invitae), Labcorp
Classification: Uncertain significance for Severe combined immunodeficiency due to DNA-PKcs deficiency. Last evaluated: 2025-08-29. Review status: criteria provided, single submitter. Criteria: Invitae Variant Classification Sherloc (09022015). Collection method: clinical testing. Allele origin: germline.
Comment: This sequence change replaces glycine, which is neutral and non-polar, with arginine, which is basic and polar, at codon 1513 of the PRKDC protein (p.Gly1513Arg). The frequency data for this variant in the population databases is considered unreliable, as metrics indicate poor data quality at this position in the gnomAD database. This variant has not been reported in the literature in individuals affected with PRKDC-related conditions. ClinVar contains an entry for this variant (Variation ID: 1416330). Invitae Evidence Modeling of protein sequence and biophysical properties (such as structural, functional, and spatial information, amino acid conservation, physicochemical variation, residue mobility, and thermodynamic stability) indicates that this missense variant is not expected to disrupt PRKDC protein function with a negative predictive value of 80%. Algorithms developed to predict the effect of sequence changes on RNA splicing suggest that this variant may disrupt the consensus splice site. In summary, the available evidence is currently insufficient to determine the role of this variant in disease. Therefore, it has been classified as a Variant of Uncertain Significance.

Ambry Genetics
Classification: Uncertain significance. Last evaluated: 2024-03-02. Review status: criteria provided, single submitter. Criteria: Ambry Variant Classification Scheme 2023. Collection method: clinical testing. Allele origin: germline.
Comment: The p.G1513R variant (also known as c.4537G>A), located in coding exon 35 of the PRKDC gene, results from a G to A substitution at nucleotide position 4537. The glycine at codon 1513 is replaced by arginine, an amino acid with dissimilar properties. This amino acid position is conserved. In addition, this alteration is predicted to be tolerated by in silico analysis. Based on the available evidence, the clinical significance of this alteration remains unclear.

NM_006904.7(PRKDC):c.4537G>A (p.Gly1513Arg)

Gene: PRKDC (protein kinase, DNA-activated, catalytic subunit; minus strand). Cytogenetic location: 8q11.21.
Variant type: single nucleotide variant.
Coding change: c.4537G>A on transcript NM_006904.7 (MANE Select); coding-DNA position 4537, G replaced by A.
Protein change: p.Gly1513Arg; replaces glycine 1513 with arginine.
Molecular consequence: missense variant.
Genome position (GRCh38, 1-based): chr8:47,887,582, C>T on the plus strand (G>A on the coding strand, the complement: PRKDC is on the minus strand). VCF-style: chr8-47887582-C-T. GRCh37 (hg19) VCF-style: chr8-48800143-C-T.
Other names: c.4537G>A, p.Gly1513Arg (NM_001081640.2); c.4537G>A (NM_006904.6); short protein forms G1513R.
Identifiers: ClinVar variation 1416330 (VCV001416330.3), dbSNP rs567617670, ClinGen allele CA4740879.